The following is an entry in ClinVar:

NM_005097.4(LGI1):c.749T>G (p.Val250Gly)

Gene: LGI1 (leucine rich glioma inactivated 1; plus strand). Cytogenetic location: 10q23.33.
Variant type: single nucleotide variant.
Coding change: c.749T>G on transcript NM_005097.4 (MANE Select); coding-DNA position 749, T replaced by G.
Protein change: p.Val250Gly; replaces valine 250 with glycine.
Molecular consequence: missense variant. On other transcripts: non-coding transcript variant (1).
Genome position (GRCh38, 1-based): chr10:93,793,261, T>G. VCF-style: chr10-93793261-T-G. GRCh37 (hg19) VCF-style: chr10-95553018-T-G.
Other names: c.749T>G, p.Val250Gly (NM_001308275.2); c.605T>G, p.Val202Gly (NM_001308276.2); short protein forms V202G, V250G.
Identifiers: ClinVar variation 2769864 (VCV002769864.3), dbSNP rs2492906138, ClinGen allele CA377624197.
Genomic context (GRCh38, chr10:93,793,261, plus strand): 5'-AAGACCTGCCTTATCAATCATTGTCCATAGACACTTTTTCTTATTTGAATGATGAGTATG[T>G]AGTCATCGCTCAGCCTTTTACTGGAAAATGCATTTTCCTTGAATGGGACCATGTGGAAAA-3'
Protein context (NP_005088.1, residues 240-260): DTFSYLNDEY[Val250Gly]VIAQPFTGKC

ClinVar aggregate classification (germline): Uncertain significance (1 of 4 stars; one submission).

Conditions:
Autosomal dominant epilepsy with auditory features. Identifiers: Orphanet 101046, MedGen C1838062, MONDO:0010898.

Submission:

Labcorp Genetics (formerly Invitae), Labcorp
Classification: Uncertain significance for Autosomal dominant epilepsy with auditory features. Last evaluated: 2024-01-22. Review status: criteria provided, single submitter. Criteria: Invitae Variant Classification Sherloc (09022015). Collection method: clinical testing. Allele origin: germline.
Comment: This sequence change replaces valine, which is neutral and non-polar, with glycine, which is neutral and non-polar, at codon 250 of the LGI1 protein (p.Val250Gly). This variant is not present in population databases (gnomAD no frequency). This variant has not been reported in the literature in individuals affected with LGI1-related conditions. Advanced modeling of protein sequence and biophysical properties (such as structural, functional, and spatial information, amino acid conservation, physicochemical variation, residue mobility, and thermodynamic stability) performed at Invitae indicates that this missense variant is not expected to disrupt LGI1 protein function with a negative predictive value of 80%. In summary, the available evidence is currently insufficient to determine the role of this variant in disease. Therefore, it has been classified as a Variant of Uncertain Significance.